The following is an entry in ClinVar:

NM_000722.4(CACNA2D1):c.2966+67_2966+95del

Gene: CACNA2D1 (calcium voltage-gated channel auxiliary subunit alpha2delta 1; minus strand). Cytogenetic location: 7q21.11.
Variant type: Microsatellite.
Coding change: c.2966+67_2966+95del on transcript NM_000722.4 (MANE Select); bases 67 to 95 of the intron after coding-DNA position 2966, 29 bases deleted (AGAAATTGTATATACTGTTATAATCATTA).
Molecular consequence: intron variant.
Genome position (GRCh38, 1-based): chr7:81,961,799-81,961,827, TAATGATTATAACAGTATATACAATTTCT deleted on the plus strand (AGAAATTGTATATACTGTTATAATCATTA on the coding strand, the reverse complement: CACNA2D1 is on the minus strand); deleting any 29 consecutive bases within chr7:81,961,799-81,961,862 gives the same sequence; the c. name uses the placement nearest the transcript's 3' end. VCF-style (leftmost placement, unchanged base first): chr7-81961798-GTAATGATTATAACAGTATATACAATTTCT-G. GRCh37 (hg19) VCF-style: chr7-81591114-GTAATGATTATAACAGTATATACAATTTCT-G.
Other names: c.3002+67_3002+95del (NM_001366867.1).
Identifiers: ClinVar variation 674612 (VCV000674612.1), dbSNP rs35112512, ClinGen allele CA161120846.

ClinVar aggregate classification (germline): Benign (1 of 4 stars; one submission).

Submission:

GeneDx
Classification: Benign. Last evaluated: 2018-06-19. Review status: criteria provided, single submitter. Criteria: GeneDx Variant Classification (06012015). Collection method: clinical testing. Allele origin: germline. Affected: yes.
Comment: This variant is considered likely benign or benign based on one or more of the following criteria: it is a conservative change, it occurs at a poorly conserved position in the protein, it is predicted to be benign by multiple in silico algorithms, and/or has population frequency not consistent with disease.